The following is an entry in ClinVar:

NM_019026.6(TMCO1):c.463C>T (p.Arg155Ter)

Gene: TMCO1 (transmembrane and coiled-coil domains 1; minus strand). Cytogenetic location: 1q24.1.
Variant type: single nucleotide variant.
Coding change: c.463C>T on transcript NM_019026.6 (MANE Select); coding-DNA position 463, C replaced by T.
Protein change: p.Arg155Ter; replaces arginine 155 with a stop codon.
Molecular consequence: nonsense. On other transcripts: non-coding transcript variant (1).
Genome position (GRCh38, 1-based): chr1:165,743,172, G>A on the plus strand (C>T on the coding strand, the complement: TMCO1 is on the minus strand). VCF-style: chr1-165743172-G-A. GRCh37 (hg19) VCF-style: chr1-165712409-G-A.
Other names: c.514C>T, p.Arg172Ter (NM_001256164.1); c.427C>T, p.Arg143Ter (NM_001256165.1); short protein forms R206*, R172*, R143*.
Identifiers: ClinVar variation 598963 (VCV000598963.17), dbSNP rs765379963, ClinGen allele CA1221631.

ClinVar aggregate classification (germline): Pathogenic/Likely pathogenic. Review status: criteria provided, multiple submitters, no conflicts (2 of 4 stars). 6 submissions from 6 submitters: Pathogenic (3); Likely pathogenic (1). 2 of the submissions do not count toward it. Last evaluated 2026-07-13.

Conditions:
Cerebro-facio-thoracic dysplasia. Identifiers: MedGen C1859252.
Craniofacial dysmorphism, skeletal anomalies, and impaired intellectual development 1 (CFSMR1). Also called: Cerebrofaciothoracic dysplasia. Identifiers: Orphanet 1394, MedGen C5677021, MONDO:0800436, OMIM 213980.

Allele frequency attached by ClinVar (database versions not stated): ExAC 0.00001; TOPMed 0.00003; gnomAD exomes 0.00001; gnomAD 0.00002.
gnomAD v4.1: 17 of 1,613,882 alleles (0.0011%); highest among the groups gnomAD compares: African/African-American, 0.0027%; no homozygotes.

Submissions (6):

GeneDx
Classification: Likely pathogenic. Last evaluated: 2026-07-13. Review status: criteria provided, single submitter. Criteria: GeneDx Variant Classification Process June 2021. Collection method: clinical testing. Allele origin: germline.
Comment: Nonsense variant predicted to result in protein truncation, as the last 34 amino acid(s) are lost, and other loss-of-function variants have been reported downstream in HGMD; This variant is associated with the following publications: (PMID: 31102500, 32214227, 30755392, 36708876)

Fulgent Genetics
Classification: Pathogenic for Craniofacial dysmorphism, skeletal anomalies, and impaired intellectual development 1. Last evaluated: 2024-02-19. Review status: criteria provided, single submitter. Criteria: ACMG Guidelines, 2015. Collection method: clinical testing. Allele origin: germline.

Women's Health and Genetics/Laboratory Corporation of America, LabCorp
Classification: Pathogenic for Cerebro-facio-thoracic dysplasia. Last evaluated: 2023-10-18. Review status: criteria provided, single submitter. Criteria: LabCorp Variant Classification Summary - May 2015. Collection method: clinical testing. Allele origin: germline.
Comment: Variant summary: TMCO1 c.463C>T (p.Arg155X) results in a premature termination codon, predicted to cause a truncation of the encoded protein which may escape nonsense mediated decay. The variant allele was found at a frequency of 1.2e-05 in 251388 control chromosomes. c.463C>T has been reported in the literature in multiple individuals affected with Craniofacial Dysmorphism, Skeletal Anomalies, And Intellectual Disability Syndrome. These data indicate that the variant is very likely to be associated with disease (JI_2019, Sharkia_2019). To our knowledge, no experimental evidence demonstrating an impact on protein function has been reported. The following publications have been ascertained in the context of this evaluation (PMID: 30755392, 31102500). Three submitters have cited clinical-significance assessments for this variant to ClinVar after 2014. All submitters classified the variant as pathogenic/likely pathogenic. Based on the evidence outlined above, the variant was classified as pathogenic.

Center for Personalized Medicine, Children's Hospital Los Angeles
Classification: Pathogenic. Last evaluated: 2018-11-19. Review status: criteria provided, single submitter. Criteria: ACMG Guidelines, 2015. Collection method: clinical testing. Allele origin: germline. Affected: yes.

OMIM
Classification: Pathogenic for CRANIOFACIAL DYSMORPHISM, SKELETAL ANOMALIES, AND IMPAIRED INTELLECTUAL DEVELOPMENT SYNDROME 1. Last evaluated: 2022-07-20. Review status: no assertion criteria provided. Collection method: literature only. Allele origin: germline. Not counted in ClinVar's aggregate classification.

Section for Clinical Neurogenetics, University of Tübingen
Classification: Likely pathogenic for Craniofacial dysmorphism, skeletal anomalies, and impaired intellectual development 1. Last evaluated: 2019-08-01. Review status: no assertion criteria provided. Collection method: research. Allele origin: germline. Affected: yes. Not counted in ClinVar's aggregate classification.

Literature cited by the submitters: PubMed 30755392 (cited by Women's Health and Genetics/Laboratory Corporation of America, LabCorp); PubMed 31102500 (cited by 3 submitters); PubMed 32214227 (cited by Section for Clinical Neurogenetics, University of Tübingen).